The following is an entry in ClinVar:

NM_000038.6(APC):c.3881A>G (p.Gln1294Arg)

Gene: APC (APC regulator of WNT signaling pathway; plus strand). Cytogenetic location: 5q22.2.
Variant type: single nucleotide variant.
Coding change: c.3881A>G on transcript NM_000038.6 (MANE Select); coding-DNA position 3881, A replaced by G.
Protein change: p.Gln1294Arg; replaces glutamine 1294 with arginine.
Molecular consequence: missense variant. On other transcripts: non-coding transcript variant (2).
Genome position (GRCh38, 1-based): chr5:112,839,475, A>G. VCF-style: chr5-112839475-A-G. GRCh37 (hg19) VCF-style: chr5-112175172-A-G.
Other names: c.3632A>G, p.Gln1211Arg (NM_001407454.1, NM_001407455.1, NM_001407456.1 and 1 more transcripts); c.3578A>G, p.Gln1193Arg (NM_001407458.1, NM_001407459.1, NM_001407460.1 and 1 more transcripts); c.3494A>G, p.Gln1165Arg (NM_001407467.1, NM_001407469.1); c.3032A>G, p.Gln1011Arg (NM_001407470.1, NM_001354906.2); c.2729A>G, p.Gln910Arg (NM_001407471.1, NM_001407472.1); c.3881A>G, p.Gln1294Arg (NM_001127510.3, NM_001354895.2, NM_001407450.1); c.3827A>G, p.Gln1276Arg (NM_001127511.3); c.3935A>G, p.Gln1312Arg (NM_001354896.2, NM_001407447.1, NM_001407448.1 and 1 more transcripts); and 11 more; short protein forms Q1011R, Q1134R, Q1165R, Q1168R, Q1193R, Q1203R, Q1211R, Q1235R.
Identifiers: ClinVar variation 2576889 (VCV002576889.1), dbSNP rs1561588178, ClinGen allele CA16029848.
Genomic context (GRCh38, chr5:112,839,475, plus strand): 5'-GTAGTTCATTATCATCTTTGTCATCAGCTGAAGATGAAATAGGATGTAATCAGACGACAC[A>G]GGAAGCAGATTCTGCTAATACCCTGCAAATAGCAGAAATAAAAGAAAAGATTGGAACTAG-3'
Protein context (NP_000029.2, residues 1284-1304): EDEIGCNQTT[Gln1294Arg]EADSANTLQI

ClinVar aggregate classification (germline): Uncertain significance (1 of 4 stars; one submission).

Submission:

GeneDx
Classification: Uncertain significance. Last evaluated: 2023-02-17. Review status: criteria provided, single submitter. Criteria: GeneDx Variant Classification Process June 2021. Collection method: clinical testing. Allele origin: germline. Affected: yes.
Comment: Not observed at significant frequency in large population cohorts (gnomAD); In silico analysis supports that this missense variant does not alter protein structure/function; Has not been previously published as pathogenic or benign to our knowledge; This variant is associated with the following publications: (PMID: 18199528)